The following is an entry in ClinVar:

NM_001182.5(ALDH7A1):c.871+196T>G

Gene: ALDH7A1 (aldehyde dehydrogenase 7 family member A1; minus strand). Cytogenetic location: 5q23.2.
Variant type: single nucleotide variant.
Coding change: c.871+196T>G on transcript NM_001182.5 (MANE Select); 196 bases into the intron after coding-DNA position 871, T replaced by G.
Molecular consequence: intron variant.
Genome position (GRCh38, 1-based): chr5:126,568,063, A>C on the plus strand (T>G on the coding strand, the complement: ALDH7A1 is on the minus strand). VCF-style: chr5-126568063-A-C. GRCh37 (hg19) VCF-style: chr5-125903755-A-C.
Other names: NC_000005.9:g.125903755A>C; c.871+196T>G (NM_001202404.2); c.787+196T>G (NM_001201377.2).
Identifiers: ClinVar variation 677971 (VCV000677971.2), dbSNP rs66822510, ClinGen allele CA12009622.
Genomic context (GRCh38, chr5:126,568,063, plus strand): 5'-TGGATCTCCTGACCTTGTGATCCACCTGCCTTGGCCTCCCAAAGTGCTGGGATTTTCATA[A>C]ATTTTGGTATTTAAATTTAGGACTTCCCTAATATTCTACTGCTAATAACTGTACCCTTTT-3'

ClinVar aggregate classification (germline): Benign (1 of 4 stars; one submission).

Allele frequency attached by ClinVar (database versions not stated): gnomAD 0.19717; gnomAD exomes 0.09149; 1000 Genomes Project 0.21845; TOPMed 0.22560; 1000 Genomes Project 30x 0.23032.
gnomAD v4.1: 67,766 of 544,692 alleles (12%); highest among the groups gnomAD compares: African/African-American, 52%; 9,245 homozygotes.

Submissions (14):

GeneDx
Classification: Benign. Last evaluated: 2018-06-18. Review status: criteria provided, single submitter. Criteria: GeneDx Variant Classification (06012015). Collection method: clinical testing. Allele origin: germline. Affected: yes.
Comment: This variant is considered likely benign or benign based on one or more of the following criteria: it is a conservative change, it occurs at a poorly conserved position in the protein, it is predicted to be benign by multiple in silico algorithms, and/or has population frequency not consistent with disease.

Dr. Peter K. Rogan Lab, Western University
No classification provided (evidence only). Condition: Lung cancer. Review status: no classification provided. Collection method: in vitro. Allele origin: not applicable. Functional consequence: skipped exon. Not counted in ClinVar's aggregate classification.

Dr. Peter K. Rogan Lab, Western University
No classification provided (evidence only). Condition: Lung cancer. Review status: no classification provided. Collection method: in vitro. Allele origin: not applicable. Functional consequence: retained intron. Not counted in ClinVar's aggregate classification.

Dr. Peter K. Rogan Lab, Western University
No classification provided (evidence only). Condition: Lung cancer. Review status: no classification provided. Collection method: in vitro. Allele origin: not applicable. Functional consequence: skipped exon, retained intron. Not counted in ClinVar's aggregate classification.

Dr. Peter K. Rogan Lab, Western University
No classification provided (evidence only). Condition: Lung cancer. Review status: no classification provided. Collection method: in vitro. Allele origin: not applicable. Functional consequence: skipped exon. Not counted in ClinVar's aggregate classification.

Dr. Peter K. Rogan Lab, Western University
No classification provided (evidence only). Condition: Thymoma. Review status: no classification provided. Collection method: in vitro. Allele origin: not applicable. Functional consequence: retained intron. Not counted in ClinVar's aggregate classification.

Dr. Peter K. Rogan Lab, Western University
No classification provided (evidence only). Condition: Thymoma. Review status: no classification provided. Collection method: in vitro. Allele origin: not applicable. Functional consequence: skipped exon, retained intron. Not counted in ClinVar's aggregate classification.

Dr. Peter K. Rogan Lab, Western University
No classification provided (evidence only). Condition: Cholangiocarcinoma. Review status: no classification provided. Collection method: in vitro. Allele origin: not applicable. Functional consequence: skipped exon. Not counted in ClinVar's aggregate classification.

Dr. Peter K. Rogan Lab, Western University
No classification provided (evidence only). Condition: Uterine carcinosarcoma. Review status: no classification provided. Collection method: in vitro. Allele origin: not applicable. Functional consequence: skipped exon, retained intron. Not counted in ClinVar's aggregate classification.

Dr. Peter K. Rogan Lab, Western University
No classification provided (evidence only). Condition: Malignant tumor of esophagus. Review status: no classification provided. Collection method: in vitro. Allele origin: not applicable. Functional consequence: retained intron. Not counted in ClinVar's aggregate classification.

Dr. Peter K. Rogan Lab, Western University
No classification provided (evidence only). Condition: Malignant tumor of esophagus. Review status: no classification provided. Collection method: in vitro. Allele origin: not applicable. Functional consequence: retained intron. Not counted in ClinVar's aggregate classification.

Dr. Peter K. Rogan Lab, Western University
No classification provided (evidence only). Condition: Malignant tumor of esophagus. Review status: no classification provided. Collection method: in vitro. Allele origin: not applicable. Functional consequence: retained intron. Not counted in ClinVar's aggregate classification.

Dr. Peter K. Rogan Lab, Western University
No classification provided (evidence only). Condition: Malignant tumor of esophagus. Review status: no classification provided. Collection method: in vitro. Allele origin: not applicable. Functional consequence: retained intron. Not counted in ClinVar's aggregate classification.

Dr. Peter K. Rogan Lab, Western University
No classification provided (evidence only). Condition: Malignant tumor of esophagus. Review status: no classification provided. Collection method: in vitro. Allele origin: not applicable. Functional consequence: skipped exon. Not counted in ClinVar's aggregate classification.